The following is an entry in ClinVar:

ClinVar aggregate classification (germline): Uncertain significance. Review status: criteria provided, multiple submitters, no conflicts (2 of 4 stars). 2 submissions from 2 submitters: Uncertain significance (2). Last evaluated 2026-06-02.

Conditions:
GLUD1-related disorder. Also called: GLUD1-related condition.

gnomAD v4.1: 1 of 1,614,196 alleles (0.000062%); highest among the groups gnomAD compares: Non-Finnish European, 0.000085%; no homozygotes.

Submissions (2):

PreventionGenetics, part of Exact Sciences
Classification: Uncertain significance for GLUD1-related condition. Last evaluated: 2026-06-02. Review status: criteria provided, single submitter. Criteria: ACMG Guidelines, 2015. Collection method: clinical testing. Allele origin: germline.
Comment: The GLUD1 c.1565T>C variant is predicted to result in the amino acid substitution p.Met522Thr. To our knowledge, this variant has not been reported in the literature. This variant is reported in 0.00088% of alleles in individuals of European (Non-Finnish) descent in gnomAD. At this time, the clinical significance of this variant is uncertain due to the absence of conclusive functional and genetic evidence.

GeneDx
Classification: Uncertain significance. Last evaluated: 2025-08-16. Review status: criteria provided, single submitter. Criteria: GeneDx Variant Classification Process June 2021. Collection method: clinical testing. Allele origin: germline. Affected: yes.
Comment: Not observed at significant frequency in large population cohorts (gnomAD); In silico analysis supports that this missense variant has a deleterious effect on protein structure/function; Has not been previously published as pathogenic or benign to our knowledge

NM_005271.5(GLUD1):c.1565T>C (p.Met522Thr)

Gene: GLUD1 (glutamate dehydrogenase 1; minus strand). Cytogenetic location: 10q23.2.
Variant type: single nucleotide variant.
Coding change: c.1565T>C on transcript NM_005271.5 (MANE Select); coding-DNA position 1565, T replaced by C.
Protein change: p.Met522Thr; replaces methionine 522 with threonine.
Molecular consequence: missense variant.
Genome position (GRCh38, 1-based): chr10:87,051,863, A>G on the plus strand (T>C on the coding strand, the complement: GLUD1 is on the minus strand). VCF-style: chr10-87051863-A-G. GRCh37 (hg19) VCF-style: chr10-88811620-A-G.
Other names: c.1166T>C, p.Met389Thr (NM_001318900.1); c.1064T>C, p.Met355Thr (NM_001318901.1, NM_001318902.1, NM_001318904.2 and 2 more transcripts); c.1565T>C (NM_005271.4); short protein forms M355T, M522T, M389T.
Identifiers: ClinVar variation 4795320 (VCV004795320.2).